The following is an entry in ClinVar:

ClinVar aggregate classification (germline): Likely benign. Review status: criteria provided, multiple submitters, no conflicts (2 of 4 stars). 4 submissions from 4 submitters: Likely benign (4). Last evaluated 2025-08-11.

Conditions:
HNSHA due to aldolase A deficiency (GSD12). Also called: Glycogen storage disease due to aldolase A deficiency; GLYCOGEN STORAGE DISEASE XII; GSD XII; RED CELL ALDOLASE DEFICIENCY. Identifiers: Orphanet 57, MedGen C0272066, MONDO:0012747, OMIM 611881.

Allele frequency attached by ClinVar (database versions not stated): TOPMed 0.00004; ExAC 0.00005; gnomAD 0.00005; gnomAD exomes 0.00005.
gnomAD v4.1: 85 of 1,614,044 alleles (0.0053%); highest among the groups gnomAD compares: Non-Finnish European, 0.0068%; no homozygotes.

Submissions (4):

Labcorp Genetics (formerly Invitae), Labcorp
Classification: Likely benign for HNSHA due to aldolase A deficiency. Last evaluated: 2025-08-11. Review status: criteria provided, single submitter. Criteria: Invitae Variant Classification Sherloc (09022015). Collection method: clinical testing. Allele origin: germline.

Mayo Clinic Laboratories, Mayo Clinic
Classification: Likely benign. Last evaluated: 2025-01-28. Review status: criteria provided, single submitter. Criteria: ACMG Guidelines, 2015. Collection method: clinical testing. Allele origin: germline. Observed: 1 variant allele.
Comment: BP4, BP7

CeGaT Center for Human Genetics Tuebingen
Classification: Likely benign. Last evaluated: 2023-09-01. Review status: criteria provided, single submitter. Criteria: CeGaT Center For Human Genetics Tuebingen Variant Classification Criteria Version 2. Collection method: clinical testing. Allele origin: germline. Affected: yes. Observed: 1 variant allele.
Comment: ALDOA: BP4, BP7

ARUP Laboratories, Molecular Genetics and Genomics, ARUP Laboratories
Classification: Likely benign for HNSHA due to aldolase A deficiency. Last evaluated: 2022-03-18. Review status: criteria provided, single submitter. Criteria: ARUP Molecular Germline Variant Investigation Process 2021. Collection method: clinical testing. Allele origin: germline.

NM_001243177.4(ALDOA):c.966C>T (p.Ile322=)

Genes: ALDOA (aldolase, fructose-bisphosphate A; plus strand), LOC112694756 (uncharaterized LOC112694756; plus strand). Cytogenetic location: 16p11.2.
Variant type: single nucleotide variant.
Coding change: c.966C>T on transcript NM_001243177.4 (MANE Select); coding-DNA position 966, C replaced by T.
Protein change: p.Ile322=; no amino-acid change (isoleucine 322 retained).
Molecular consequence: synonymous variant. On other transcripts: 3 prime UTR variant (3).
Genome position (GRCh38, 1-based): chr16:30,069,834, C>T. VCF-style: chr16-30069834-C-T. GRCh37 (hg19) VCF-style: chr16-30081155-C-T.
Other names: p.Ile268=; c.*1313C>T (NM_001365304.2, NM_001365305.2, NM_001365307.2); c.804C>T, p.Ile268= (NM_001127617.2, NM_184041.5, NM_184043.2); c.804C>T (NM_184041.4).
Identifiers: ClinVar variation 2428602 (VCV002428602.32), dbSNP rs749551179, ClinGen allele CA8001175.